The following is an entry in ClinVar:

NM_005359.6(SMAD4):c.1447+7A>G

Gene: SMAD4 (SMAD family member 4; plus strand). Cytogenetic location: 18q21.2.
Variant type: single nucleotide variant.
Coding change: c.1447+7A>G on transcript NM_005359.6 (MANE Select); 7 bases into the intron after coding-DNA position 1447, A replaced by G.
Molecular consequence: intron variant.
Genome position (GRCh38, 1-based): chr18:51,076,783, A>G. VCF-style: chr18-51076783-A-G. GRCh37 (hg19) VCF-style: chr18-48603153-A-G.
Identifiers: ClinVar variation 1113754 (VCV001113754.10), dbSNP rs747572179, ClinGen allele CA8966071.

ClinVar aggregate classification (germline): Likely benign. Review status: criteria provided, multiple submitters, no conflicts (2 of 4 stars). 2 submissions from 2 submitters: Likely benign (2). Last evaluated 2025-11-27.

Conditions:
Juvenile polyposis syndrome (JPS). Identifiers: Orphanet 2929, MedGen C0345893, MONDO:0017380, OMIM 174900.
Juvenile polyposis/hereditary hemorrhagic telangiectasia syndrome (JPHT). Also called: JP/HHT SYNDROME; JUVENILE POLYPOSIS WITH HEREDITARY HEMORRHAGIC TELANGIECTASIA; POLYPOSIS, GENERALIZED JUVENILE, WITH PULMONARY ARTERIOVENOUS MALFORMATION; TELANGIECTASIA, HEREDITARY HEMORRHAGIC, WITH JUVENILE POLYPOSIS COLI; Juvenile Polyposis Syndrome / Hereditary Hemorrhagic Telangiectasia (JPS/HHT). Identifiers: Orphanet 2929, MedGen C1832942, MONDO:0008278, OMIM 175050.

Allele frequency attached by ClinVar (database versions not stated): gnomAD exomes 0.00001.
gnomAD v4.1: 9 of 1,593,886 alleles (0.00056%); highest among the groups gnomAD compares: Non-Finnish European, 0.00077%; no homozygotes.

Submissions (2):

Labcorp Genetics (formerly Invitae), Labcorp
Classification: Likely benign for Juvenile polyposis syndrome. Last evaluated: 2025-11-27. Review status: criteria provided, single submitter. Criteria: Invitae Variant Classification Sherloc (09022015). Collection method: clinical testing. Allele origin: germline.

Myriad Genetics, Inc.
Classification: Likely benign for Juvenile polyposis/hereditary hemorrhagic telangiectasia syndrome. Last evaluated: 2025-03-24. Review status: criteria provided, single submitter. Criteria: Myriad Autosomal Dominant, Autosomal Recessive and X-Linked Classification Criteria (2023). Collection method: clinical testing. Allele origin: unknown.
Comment: This variant is considered likely benign. This variant is intronic and is not expected to impact mRNA splicing.